The following is an entry in ClinVar:

NM_000256.3(MYBPC3):c.2277G>C (p.Glu759Asp)

Gene: MYBPC3 (myosin binding protein C3; minus strand). Cytogenetic location: 11p11.2.
Variant type: single nucleotide variant.
Coding change: c.2277G>C on transcript NM_000256.3 (MANE Select); coding-DNA position 2277, G replaced by C.
Protein change: p.Glu759Asp; replaces glutamic acid 759 with aspartic acid.
Molecular consequence: missense variant.
Genome position (GRCh38, 1-based): chr11:47,338,551, C>G on the plus strand (G>C on the coding strand, the complement: MYBPC3 is on the minus strand). VCF-style: chr11-47338551-C-G. GRCh37 (hg19) VCF-style: chr11-47360102-C-G.
Other names: short protein forms E759D.
Identifiers: ClinVar variation 3387115 (VCV003387115.2).

ClinVar aggregate classification (germline): Uncertain significance. Review status: criteria provided, multiple submitters, no conflicts (2 of 4 stars). 2 submissions from 2 submitters: Uncertain significance (2). Last evaluated 2025-08-28.

Conditions:
Cardiovascular phenotype. Identifiers: MedGen CN230736.
Hypertrophic cardiomyopathy. Also called: HYPERTROPHIC MYOCARDIOPATHY. Identifiers: Orphanet 217569, MedGen C0007194, MeSH D002312, MONDO:0005045, HP:0001639.

gnomAD v4.1: 4 of 1,613,902 alleles (0.00025%); highest among the groups gnomAD compares: Admixed American, 0.0067%; no homozygotes.

Submissions (2):

Ambry Genetics
Classification: Uncertain significance for Cardiovascular phenotype. Last evaluated: 2025-08-28. Review status: criteria provided, single submitter. Criteria: Ambry Variant Classification Scheme 2023. Collection method: clinical testing. Allele origin: germline.
Comment: The p.E759D variant (also known as c.2277G>C), located in coding exon 23 of the MYBPC3 gene, results from a G to C substitution at nucleotide position 2277. The glutamic acid at codon 759 is replaced by aspartic acid, an amino acid with highly similar properties. This amino acid position is conserved. In addition, the in silico prediction for this alteration is inconclusive. Based on the available evidence, the clinical significance of this variant remains unclear.

All of Us Research Program, National Institutes of Health
Classification: Uncertain significance for Hypertrophic cardiomyopathy. Last evaluated: 2024-08-13. Review status: criteria provided, single submitter. Criteria: ACMG Guidelines, 2015. Collection method: clinical testing. Allele origin: germline. Inheritance: Autosomal dominant inheritance. Observed: 1 variant allele, 1 heterozygote.
Comment: This missense variant replaces glutamic acid with aspartic acid at codon 759 of the MYBPC3 protein. Computational prediction suggests that this variant may not impact protein structure and function (internally defined REVEL score threshold <= 0.5, PMID: 27666373). To our knowledge, functional studies have not been reported for this variant. This variant has not been reported in individuals affected with MYBPC3-related disorders in the literature. This variant has been identified in 2/249228 chromosomes in the general population by the Genome Aggregation Database (gnomAD). The available evidence is insufficient to determine the role of this variant in disease conclusively. Therefore, this variant is classified as a Variant of Uncertain Significance.

This study involves interpretation of variants in research participants for the purpose of population health screening. Participant phenotype was not available at the time of variant classification. Additional details can be found in publication PMID: 35346344, PMCID: PMC8962531